The following is an entry in ClinVar:

NM_183050.4(BCKDHB):c.580C>T (p.Leu194Phe)

Gene: BCKDHB (branched chain keto acid dehydrogenase E1 subunit beta; plus strand). Cytogenetic location: 6q14.1.
Variant type: single nucleotide variant.
Coding change: c.580C>T on transcript NM_183050.4 (MANE Select); coding-DNA position 580, C replaced by T.
Protein change: p.Leu194Phe; replaces leucine 194 with phenylalanine.
Molecular consequence: missense variant. On other transcripts: non-coding transcript variant (1).
Genome position (GRCh38, 1-based): chr6:80,168,977, C>T. VCF-style: chr6-80168977-C-T. GRCh37 (hg19) VCF-style: chr6-80878694-C-T.
Other names: c.580C>T, p.Leu194Phe (NM_000056.5); c.370C>T, p.Leu124Phe (NM_001318975.1); c.580C>T (NM_183050.3); short protein forms L124F, L194F.
Identifiers: ClinVar variation 2442395 (VCV002442395.6), dbSNP rs2481900030, ClinGen allele CA364657941.

ClinVar aggregate classification (germline): Pathogenic/Likely pathogenic. Review status: criteria provided, multiple submitters, no conflicts (2 of 4 stars). 3 submissions from 3 submitters: Pathogenic (1); Likely pathogenic (2). Last evaluated 2026-01-16.

Conditions:
Maple syrup urine disease (MSUD). Identifiers: Orphanet 511, MedGen C0024776, MeSH D008375, MONDO:0009563. Disease mechanism: loss of function.
Maple syrup urine disease type 1B (MSUD1B). Also called: MSUD type IB; MSUD type 3 (formerly); MSUD due to deficiency of e1-beta subunit of branched-chain alpha-keto acid dehydrogenase complex. Identifiers: MedGen C2930990, MONDO:0023692, OMIM 620698.

Submissions (3):

Natera, Inc.
Classification: Likely pathogenic for Maple syrup urine disease type 1B. Last evaluated: 2026-01-16. Review status: criteria provided, single submitter. Criteria: Natera Variant Classification Schema (03/2026). Collection method: clinical testing. Allele origin: germline.
Comment: The c.580C>T variant in BCKDHB is a missense variant predicted to cause substitution of leucine to phenylalanine at amino acid 194. This variant is rare in the general population with a frequency below the threshold expected for the associated phenotype(s). This variant has been observed in one or more individuals affected with the associated recessive disease, as either homozygous or compound heterozygous with a second variant (PMID: 31980395). Computational prediction algorithms indicate this variant is likely to affect gene or protein function. Given the available evidence, this variant is classified as Likely Pathogenic.

Labcorp Genetics (formerly Invitae), Labcorp
Classification: Likely pathogenic for Maple syrup urine disease. Last evaluated: 2023-08-24. Review status: criteria provided, single submitter. Criteria: Invitae Variant Classification Sherloc (09022015). Collection method: clinical testing. Allele origin: germline.
Comment: In summary, the currently available evidence indicates that the variant is pathogenic, but additional data are needed to prove that conclusively. Therefore, this variant has been classified as Likely Pathogenic. This variant disrupts the p.Leu194 amino acid residue in BCKDHB. Other variant(s) that disrupt this residue have been observed in individuals with BCKDHB-related conditions (PMID: 25748408, 30228974, 31980395), which suggests that this may be a clinically significant amino acid residue. Advanced modeling of protein sequence and biophysical properties (such as structural, functional, and spatial information, amino acid conservation, physicochemical variation, residue mobility, and thermodynamic stability) performed at Invitae indicates that this missense variant is expected to disrupt BCKDHB protein function. ClinVar contains an entry for this variant (Variation ID: 2442395). This missense change has been observed in individual(s) with maple syrup urine disease (PMID: 25748408, 31980395). This variant is not present in population databases (gnomAD no frequency). This sequence change replaces leucine, which is neutral and non-polar, with phenylalanine, which is neutral and non-polar, at codon 194 of the BCKDHB protein (p.Leu194Phe).

Pediatric/Medical Genetics, Ministry of Health, Qatif Central Hospital
Classification: Pathogenic for Maple syrup urine disease type 1A. Review status: criteria provided, single submitter. Criteria: ACMG Guidelines, 2015. Collection method: clinical testing. Allele origin: germline. Inheritance: Autosomal recessive inheritance. Affected: yes.

Literature cited by the submitters: PubMed 31980395 (cited by Natera, Inc. and Labcorp Genetics (formerly Invitae), Labcorp); PubMed 25748408 (cited by Labcorp Genetics (formerly Invitae), Labcorp); PubMed 30228974 (cited by Labcorp Genetics (formerly Invitae), Labcorp).